The following is an entry in ClinVar:

ClinVar aggregate classification (germline): Uncertain significance (1 of 4 stars; one submission).

gnomAD v4.1: 1 of 1,211,027 alleles (0.000083%); no homozygotes.

Submission:

CeGaT Center for Human Genetics Tuebingen
Classification: Uncertain significance. Last evaluated: 2023-04-01. Review status: criteria provided, single submitter. Criteria: CeGaT Center For Human Genetics Tuebingen Variant Classification Criteria Version 2. Collection method: clinical testing. Allele origin: germline. Affected: yes. Observed: 1 variant allele.
Comment: DMD: PM2

NM_004006.3(DMD):c.9602C>T (p.Thr3201Ile)

Gene: DMD (dystrophin; minus strand). Cytogenetic location: Xp21.2.
Variant type: single nucleotide variant.
Coding change: c.9602C>T on transcript NM_004006.3 (MANE Select); coding-DNA position 9602, C replaced by T.
Protein change: p.Thr3201Ile; replaces threonine 3201 with isoleucine.
Molecular consequence: missense variant.
Genome position (GRCh38, 1-based): chrX:31,206,629, G>A on the plus strand (C>T on the coding strand, the complement: DMD is on the minus strand). VCF-style: chrX-31206629-G-A. GRCh37 (hg19) VCF-style: chrX-31224746-G-A.
Other names: c.9578C>T, p.Thr3193Ile (NM_000109.4); c.9590C>T, p.Thr3197Ile (NM_004009.3); c.9233C>T, p.Thr3078Ile (NM_004010.3); c.5579C>T, p.Thr1860Ile (NM_004011.4); c.5570C>T, p.Thr1857Ile (NM_004012.4); c.2222C>T, p.Thr741Ile (NM_004013.3, NM_004020.4, NM_004021.3 and 2 more transcripts); c.1415C>T, p.Thr472Ile (NM_004014.3); c.398C>T, p.Thr133Ile (NM_004015.3, NM_004016.3, NM_004017.3 and 2 more transcripts); short protein forms T133I, T1857I, T1860I, T3078I, T3193I, T3197I, T3201I, T472I.
Identifiers: ClinVar variation 2660240 (VCV002660240.24), dbSNP rs2521252916, ClinGen allele CA412649515.